The following is an entry in ClinVar:

NM_001540.5(HSPB1):c.127T>C (p.Ser43Pro)

Gene: HSPB1 (heat shock protein family B (small) member 1; plus strand). Cytogenetic location: 7q11.23.
Variant type: single nucleotide variant.
Coding change: c.127T>C on transcript NM_001540.5 (MANE Select); coding-DNA position 127, T replaced by C.
Protein change: p.Ser43Pro; replaces serine 43 with proline.
Molecular consequence: missense variant.
Genome position (GRCh38, 1-based): chr7:76,302,839, T>C. VCF-style: chr7-76302839-T-C. GRCh37 (hg19) VCF-style: chr7-75932156-T-C.
Other names: short protein forms S43P.
Identifiers: ClinVar variation 864139 (VCV000864139.9), dbSNP rs1346600366, ClinGen allele CA367762956.
Genomic context (GRCh38, chr7:76,302,839, plus strand): 5'-TACCCGCATAGCCGCCTCTTCGACCAGGCCTTCGGGCTGCCCCGGCTGCCGGAGGAGTGG[T>C]CGCAGTGGTTAGGCGGCAGCAGCTGGCCAGGCTACGTGCGCCCCCTGCCCCCCGCCGCCA-3'
Protein context (NP_001531.1, residues 33-53): FGLPRLPEEW[Ser43Pro]QWLGGSSWPG

ClinVar aggregate classification (germline): Uncertain significance (1 of 4 stars; one submission).

Conditions:
Charcot-Marie-Tooth disease axonal type 2F (CMT2F). Also called: Charcot-Marie-Tooth Neuropathy Type 2F; CHARCOT-MARIE-TOOTH DISEASE, NEURONAL, TYPE 2F. Identifiers: Orphanet 99940, MedGen C1847823, MONDO:0011687, OMIM 606595.

Allele frequency attached by ClinVar (database versions not stated): TOPMed below 0.00001; gnomAD 0.00001; gnomAD exomes 0.00001.

Submission:

Labcorp Genetics (formerly Invitae), Labcorp
Classification: Uncertain significance for Charcot-Marie-Tooth disease axonal type 2F. Last evaluated: 2024-07-27. Review status: criteria provided, single submitter. Criteria: Invitae Variant Classification Sherloc (09022015). Collection method: clinical testing. Allele origin: germline.
Comment: This sequence change replaces serine, which is neutral and polar, with proline, which is neutral and non-polar, at codon 43 of the HSPB1 protein (p.Ser43Pro). The frequency data for this variant in the population databases is considered unreliable, as metrics indicate poor data quality at this position in the gnomAD database. This variant has not been reported in the literature in individuals affected with HSPB1-related conditions. ClinVar contains an entry for this variant (Variation ID: 864139). Advanced modeling of protein sequence and biophysical properties (such as structural, functional, and spatial information, amino acid conservation, physicochemical variation, residue mobility, and thermodynamic stability) has been performed at Invitae for this missense variant, however the output from this modeling did not meet the statistical confidence thresholds required to predict the impact of this variant on HSPB1 protein function. In summary, the available evidence is currently insufficient to determine the role of this variant in disease. Therefore, it has been classified as a Variant of Uncertain Significance.